The following is an entry in ClinVar:

NM_007294.4(BRCA1):c.239G>A (p.Ser80Asn)

Gene: BRCA1 (BRCA1 DNA repair associated; minus strand). Cytogenetic location: 17q21.31.
Variant type: single nucleotide variant.
Coding change: c.239G>A on transcript NM_007294.4 (MANE Select); coding-DNA position 239, G replaced by A.
Protein change: p.Ser80Asn; replaces serine 80 with asparagine.
Molecular consequence: missense variant. On other transcripts: non-coding transcript variant (1).
Genome position (GRCh38, 1-based): chr17:43,104,930, C>T on the plus strand (G>A on the coding strand, the complement: BRCA1 is on the minus strand). VCF-style: chr17-43104930-C-T. GRCh37 (hg19) VCF-style: chr17-41256947-C-T.
Other names: c.29G>A, p.Ser10Asn (NM_001407571.1, NM_001407853.1, NM_001407879.1 and 58 more transcripts); c.239G>A, p.Ser80Asn (NM_001407581.1, NM_001407582.1, NM_001407583.1 and 168 more transcripts); c.161G>A, p.Ser54Asn (NM_001407653.1, NM_001407654.1, NM_001407655.1 and 21 more transcripts); c.98G>A, p.Ser33Asn (NM_001407692.1, NM_001407694.1, NM_001407695.1 and 99 more transcripts); c.-143G>A (NM_001407959.1, NM_001407960.1, NM_001407962.1 and 4 more transcripts); c.107G>A, p.Ser36Asn (NM_001408451.1); short protein forms S33N, S80N, S10N, S36N, S54N.
Identifiers: ClinVar variation 865315 (VCV000865315.7), dbSNP rs2054690270, ClinGen allele CA10601680.

ClinVar aggregate classification (germline): Conflicting classifications of pathogenicity. Review status: criteria provided, conflicting classifications (1 of 4 stars). 2 submissions from 2 submitters: Uncertain significance (1); Likely benign (1). Last evaluated 2024-10-23.

Conditions:
Hereditary cancer-predisposing syndrome. Also called: Tumor predisposition; Hereditary Cancer Syndrome; Hereditary neoplastic syndrome; Neoplastic Syndromes, Hereditary. Identifiers: Orphanet 140162, MedGen C0027672, MeSH D009386, MONDO:0015356.
Hereditary breast ovarian cancer syndrome. Also called: Hereditary breast and/or ovarian cancer syndrome; BRCA1- and BRCA2-Associated Hereditary Breast and Ovarian Cancer; Hereditary breast and ovarian cancer syndrome; Hereditary breast and ovarian cancer; Hereditary breast and ovarian cancer syndrome (HBOC); Breast and ovarian cancer. Identifiers: Orphanet 145, MedGen C0677776, MeSH D061325, MONDO:0003582. Disease mechanism: loss of function.

Allele frequency attached by ClinVar (database versions not stated): gnomAD exomes below 0.00001.
gnomAD v4.1: 1 of 1,613,834 alleles (0.000062%); highest among the groups gnomAD compares: South Asian, 0.0011%; no homozygotes.

Submissions (3):

Labcorp Genetics (formerly Invitae), Labcorp
Classification: Uncertain significance for Hereditary breast ovarian cancer syndrome. Last evaluated: 2024-10-23. Review status: criteria provided, single submitter. Criteria: Invitae Variant Classification Sherloc (09022015). Collection method: clinical testing. Allele origin: germline.
Comment: This sequence change replaces serine, which is neutral and polar, with asparagine, which is neutral and polar, at codon 80 of the BRCA1 protein (p.Ser80Asn). This variant is not present in population databases (gnomAD no frequency). This variant has not been reported in the literature in individuals affected with BRCA1-related conditions. ClinVar contains an entry for this variant (Variation ID: 865315). Invitae Evidence Modeling incorporating data from in vitro experimental studies (PMID: 30209399) indicates that this missense variant is not expected to disrupt BRCA1 function with a negative predictive value of 95%. In summary, the available evidence is currently insufficient to determine the role of this variant in disease. Therefore, it has been classified as a Variant of Uncertain Significance.

Ambry Genetics
Classification: Likely benign for Hereditary cancer-predisposing syndrome. Last evaluated: 2023-04-27. Review status: criteria provided, single submitter. Criteria: Ambry Variant Classification Scheme 2023. Collection method: clinical testing. Allele origin: germline.

Brotman Baty Institute, University of Washington
No classification provided (evidence only). Condition: Breast-ovarian cancer, familial 1. Review status: no classification provided. Collection method: in vitro. Allele origin: not applicable. Functional consequence: functionally_normal. Not counted in ClinVar's aggregate classification.
ClinVar note: "not provided" was previously submitted as the classification for the variant. However, the classification appeared to be based only on an observation of functional data so it was converted to no classification on 2025-07-30.

Literature cited by the submitters: PubMed 30209399 (cited by Labcorp Genetics (formerly Invitae), Labcorp and Ambry Genetics); PubMed 35659930 (cited by Ambry Genetics).